The following is an entry in ClinVar:

Conditions:
Arteriohepatic dysplasia. Also called: Alagille Syndrome. Identifiers: Orphanet 52, MedGen C0085280, MeSH D016738, MONDO:0007318.

Submission:

Gilbert/Spinner Lab, Children's Hospital of Philadelphia
No classification provided (evidence only). Condition: Alagille syndrome. Review status: no classification provided. Collection method: research. Allele origin: not applicable. Functional consequence: functionally_abnormal.
ClinVar note: "not provided" was previously submitted as the classification for the variant. However, the classification appeared to be based only on an observation of functional data so it was converted to no classification on 2025-07-30.

NM_000214.3(JAG1):c.785G>C (p.Cys262Ser)

Gene: JAG1 (jagged canonical Notch ligand 1; minus strand). Cytogenetic location: 20p12.2.
Variant type: single nucleotide variant.
Coding change: c.785G>C on transcript NM_000214.3 (MANE Select); coding-DNA position 785, G replaced by C.
Protein change: p.Cys262Ser; replaces cysteine 262 with serine.
Molecular consequence: missense variant.
Genome position (GRCh38, 1-based): chr20:10,652,569, C>G on the plus strand (G>C on the coding strand, the complement: JAG1 is on the minus strand). VCF-style: chr20-10652569-C-G. GRCh37 (hg19) VCF-style: chr20-10633217-C-G.
Other names: short protein forms C262S.
Identifiers: ClinVar variation 3573372 (VCV003573372.2).